The following is an entry in ClinVar:

ClinVar aggregate classification (germline): Likely benign (1 of 4 stars; one submission).

Conditions:
Intellectual developmental disorder with ocular anomalies and distinctive facial features (IDDOF). Identifiers: MedGen C5774238, MONDO:0859303, OMIM 620086.

Submission:

Centre for Medical Genetics,  Mumbai
Classification: Likely benign for Intellectual developmental disorder with ocular anomalies and distinctive facial features. Last evaluated: 2026-03-03. Review status: criteria provided, single submitter. Criteria: ACMG Guidelines, 2015. Collection method: provider interpretation. Allele origin: germline. Inheritance: Autosomal dominant inheritance. Affected: no. Observed: 1 variant allele, 1 heterozygote.
Comment: The variant satisfies PM2 criteria; Extremely low frequency in gnomAD population databases. The variant satisfies BP4 criteria; For a missense or a splice region variant, computational prediction tools unanimously support a benign effect on the gene. However, the variant satisfies BS2 criteria.

Literature cited by the submitters: PubMed 36067766.

NM_138383.3(MTSS2):c.1860C>A (p.Asp620Glu)

Gene: MTSS2 (MTSS I-BAR domain containing 2; minus strand). Cytogenetic location: 16q22.1.
Variant type: single nucleotide variant.
Coding change: c.1860C>A on transcript NM_138383.3 (MANE Select); coding-DNA position 1860, C replaced by A.
Protein change: p.Asp620Glu; replaces aspartic acid 620 with glutamic acid.
Molecular consequence: missense variant.
Genome position (GRCh38, 1-based): chr16:70,664,061, G>T on the plus strand (C>A on the coding strand, the complement: MTSS2 is on the minus strand). VCF-style: chr16-70664061-G-T. GRCh37 (hg19) VCF-style: chr16-70697964-G-T.
Other names: short protein forms D620E.
Identifiers: ClinVar variation 4814240 (VCV004814240.1).
Genomic context (GRCh38, chr16:70,664,061, plus strand): 5'-CAGGCTGAGCCTCTTTGGGGAGGCCTTGGCGAGGTCCGGTGCCAGGGGTGAGGCGGTCTC[G>T]TCGGTATAGAAGACGCACTCCTCACTGCCCGCCCGTGTGGGCCCCATGTAGCCGGGGGAG-3'
Protein context (NP_612392.1, residues 610-630): AGSEECVFYT[Asp620Glu]ETASPLAPDL